The following is an entry in ClinVar:

NM_005359.6(SMAD4):c.905-1G>A

Gene: SMAD4 (SMAD family member 4; plus strand). Cytogenetic location: 18q21.2.
Variant type: single nucleotide variant.
Coding change: c.905-1G>A on transcript NM_005359.6 (MANE Select); the canonical splice acceptor site of the intron before coding-DNA position 905, G replaced by A.
Molecular consequence: splice acceptor variant.
Genome position (GRCh38, 1-based): chr18:51,059,865, G>A. VCF-style: chr18-51059865-G-A. GRCh37 (hg19) VCF-style: chr18-48586235-G-A.
Other names: c.905-1G>A (NM_001407042.1, NM_001407041.1, NM_001407043.1).
Identifiers: ClinVar variation 486982 (VCV000486982.6), dbSNP rs1555686070, ClinGen allele CA402463631.

ClinVar aggregate classification (germline): Likely pathogenic. Review status: criteria provided, multiple submitters, no conflicts (2 of 4 stars). 2 submissions from 2 submitters: Likely pathogenic (2). Last evaluated 2019-10-10.

Conditions:
SMAD4-related disorder. Also called: SMAD4-related condition; SMAD4-Related disorders.
Familial thoracic aortic aneurysm and aortic dissection (TAAD). Also called: Thoracic aortic aneurysms and dissections. Identifiers: Orphanet 91387, MedGen C4707243, MONDO:0019625.
Hereditary cancer-predisposing syndrome. Also called: Tumor predisposition; Hereditary Cancer Syndrome; Neoplastic Syndromes, Hereditary; Hereditary neoplastic syndrome. Identifiers: Orphanet 140162, MedGen C0027672, MeSH D009386, MONDO:0015356.

Submissions (2):

Blueprint Genetics
Classification: Likely pathogenic for SMAD4-related disorders. Last evaluated: 2019-10-10. Review status: criteria provided, single submitter. Criteria: ACMG Guidelines, 2015. Collection method: clinical testing. Allele origin: germline. Affected: yes. Observed: 1 variant allele.

Ambry Genetics
Classification: Likely pathogenic for Hereditary cancer-predisposing syndrome; Familial thoracic aortic aneurysm and aortic dissection. Last evaluated: 2016-03-18. Review status: criteria provided, single submitter. Criteria: Ambry Variant Classification Scheme 2023. Collection method: clinical testing. Allele origin: germline.
Comment: The c.905-1G>A intronic variant results from a G to A substitution one nucleotide upstream from coding exon 7 of the SMAD4 gene. This variant was not reported in population based cohorts in the following databases: Database of Single Nucleotide Polymorphisms (dbSNP), NHLBI Exome Sequencing Project (ESP), and 1000 Genomes Project. In the ESP, this variant was not observed in 6503 samples (13006 alleles) with coverage at this position. To date, this alteration has been detected with an allele frequency of approximately 0.002% (greater than 65000 alleles tested) in our clinical cohort. This nucleotide position is highly conserved in available vertebrate species. Using the BDGP and ESEfinder splice site prediction tools, this alteration is predicted to create a new alternate splice acceptor site adjacent to the native acceptor site; however, direct evidence is unavailable. Alterations that disrupt the canonical splice acceptor site are typically deleterious in nature (ACMG Recommendations for Standards for Interpretation and Reporting of Sequence Variations. Revision 2007. Genet Med. 2008;10:294). As such, the c.905-1G>A variant in SMAD4 is classified as likely pathogenic.